The following is an entry in ClinVar:

NM_006379.5(SEMA3C):c.1581G>A (p.Ala527=)

Gene: SEMA3C (semaphorin 3C; minus strand). Cytogenetic location: 7q21.11.
Variant type: single nucleotide variant.
Coding change: c.1581G>A on transcript NM_006379.5 (MANE Select); coding-DNA position 1581, G replaced by A.
Protein change: p.Ala527=; no amino-acid change (alanine 527 retained).
Molecular consequence: synonymous variant.
Genome position (GRCh38, 1-based): chr7:80,758,393, C>T on the plus strand (G>A on the coding strand, the complement: SEMA3C is on the minus strand). VCF-style: chr7-80758393-C-T. GRCh37 (hg19) VCF-style: chr7-80387709-C-T.
Other names: c.1635G>A, p.Ala545= (NM_001350120.2); c.1407G>A, p.Ala469= (NM_001350121.2).
Identifiers: ClinVar variation 3030738 (VCV003030738.2), dbSNP rs147999048, ClinGen allele CA4316057.

ClinVar aggregate classification (germline): Likely benign (0 of 4 stars; one submission).

Conditions:
SEMA3C-related disorder. Also called: SEMA3C-related condition.

Allele frequency attached by ClinVar (database versions not stated): ExAC 0.00002; gnomAD 0.00002; gnomAD exomes 0.00002; TOPMed 0.00003; ESP Exome Variant Server 0.00008.
gnomAD v4.1: 30 of 1,613,914 alleles (0.0019%); highest among the groups gnomAD compares: Admixed American, 0.0067%; no homozygotes.

Submission:

PreventionGenetics, part of Exact Sciences
Classification: Likely benign for SEMA3C-related condition. Last evaluated: 2022-01-18. Review status: no assertion criteria provided. Collection method: clinical testing. Allele origin: germline.
Comment: This variant is classified as likely benign based on ACMG/AMP sequence variant interpretation guidelines (Richards et al. 2015 PMID: 25741868, with internal and published modifications).